The following is an entry in ClinVar:

ClinVar aggregate classification (germline): Uncertain significance (1 of 4 stars; one submission).

Conditions:
LEPR-related disorder. Also called: LEPR-related disorders; LEPR-related condition.

Submission:

PreventionGenetics, part of Exact Sciences
Classification: Uncertain significance for LEPR-related condition. Last evaluated: 2026-08-25. Review status: criteria provided, single submitter. Criteria: ACMG Guidelines, 2015. Collection method: clinical testing. Allele origin: germline.
Comment: The LEPR c.2840C>T variant is predicted to result in the amino acid substitution p.Pro947Leu. To our knowledge, this variant has not been reported in the literature or in a large population database, indicating this variant is rare. At this time, the clinical significance of this variant is uncertain due to the absence of conclusive functional and genetic evidence.

NM_002303.6(LEPR):c.2674-5823C>T

Gene: LEPR (leptin receptor; plus strand). Cytogenetic location: 1p31.3.
Variant type: single nucleotide variant.
Coding change: c.2674-5823C>T on transcript NM_002303.6 (MANE Select); 5823 bases into the intron before coding-DNA position 2674, C replaced by T.
Molecular consequence: intron variant. On other transcripts: missense variant (2).
Genome position (GRCh38, 1-based): chr1:65,630,368, C>T. VCF-style: chr1-65630368-C-T. GRCh37 (hg19) VCF-style: chr1-66096051-C-T.
Other names: c.2840C>T, p.Pro947Leu (NM_001003680.3, NM_001198687.2); c.2674-2784C>T (NM_001003679.3, NM_001198689.2); short protein forms P947L.
Identifiers: ClinVar variation 4989767 (VCV004989767.1).